The following is an entry in ClinVar:

NM_001987.5(ETV6):c.695C>T (p.Ser232Phe)

Gene: ETV6 (ETS variant transcription factor 6; plus strand). Cytogenetic location: 12p13.2.
Variant type: single nucleotide variant.
Coding change: c.695C>T on transcript NM_001987.5 (MANE Select); coding-DNA position 695, C replaced by T.
Protein change: p.Ser232Phe; replaces serine 232 with phenylalanine.
Molecular consequence: missense variant.
Genome position (GRCh38, 1-based): chr12:11,869,655, C>T. VCF-style: chr12-11869655-C-T. GRCh37 (hg19) VCF-style: chr12-12022589-C-T.
Other names: c.692C>T, p.Ser231Phe (NM_001413913.1); c.668C>T, p.Ser223Phe (NM_001413914.1); c.431C>T, p.Ser144Phe (NM_001413915.1); c.695C>T, p.Ser232Phe (NM_001413916.1, NM_001413917.1); short protein forms S232F, S223F, S231F, S144F.
Identifiers: ClinVar variation 5036188 (VCV005036188.1).

ClinVar aggregate classification (germline): Uncertain significance (1 of 4 stars; one submission).

Conditions:
Inborn genetic diseases. Identifiers: MedGen C0950123, MeSH D030342.

gnomAD v4.1: 2 of 1,614,186 alleles (0.00012%); highest among the groups gnomAD compares: Non-Finnish European, 0.00017%; no homozygotes.

Submission:

Ambry Genetics
Classification: Uncertain significance for Inborn genetic diseases. Last evaluated: 2026-07-07. Review status: criteria provided, single submitter. Criteria: Ambry Variant Classification Scheme 2023. Collection method: clinical testing. Allele origin: germline.
Comment: The p.S232F variant (also known as c.695C>T), located in coding exon 5 of the ETV6 gene, results from a C to T substitution at nucleotide position 695. The serine at codon 232 is replaced by phenylalanine, an amino acid with highly dissimilar properties. This amino acid position is conserved. In addition, this alteration is predicted to be tolerated by in silico analysis. Based on the available evidence, the clinical significance of this variant remains unclear.